The following is an entry in ClinVar:

ClinVar aggregate classification (germline): Uncertain significance. Review status: criteria provided, multiple submitters, no conflicts (2 of 4 stars). 2 submissions from 2 submitters: Uncertain significance (2). Last evaluated 2022-07-14.

Conditions:
Intellectual developmental disorder, autosomal dominant 10. Also called: Intellectual disability, autosomal dominant 10. Identifiers: MedGen C3280284, MONDO:0013657, OMIM 614256.

gnomAD v4.1: 1 of 1,614,062 alleles (0.000062%); highest among the groups gnomAD compares: Non-Finnish European, 0.000085%; no homozygotes.

Submissions (2):

Ambry Genetics
Classification: Uncertain significance. Last evaluated: 2022-07-14. Review status: criteria provided, single submitter. Criteria: Ambry Variant Classification Scheme 2023. Collection method: clinical testing. Allele origin: germline.

Centre for Mendelian Genomics, University Medical Centre Ljubljana
Classification: Uncertain significance for Intellectual developmental disorder, autosomal dominant 10. Last evaluated: 2018-10-12. Review status: criteria provided, single submitter. Criteria: ACMG Guidelines, 2015. Collection method: clinical testing. Allele origin: unknown. Affected: yes.
Comment: This variant was classified as: Uncertain significance. The available evidence on this variant's pathogenicity is insufficient or conflicting. The following ACMG criteria were applied in classifying this variant: PM2,PP3.

NM_006078.5(CACNG2):c.298G>T (p.Ala100Ser)

Gene: CACNG2 (calcium voltage-gated channel auxiliary subunit gamma 2; minus strand). Cytogenetic location: 22q12.3.
Variant type: single nucleotide variant.
Coding change: c.298G>T on transcript NM_006078.5 (MANE Select); coding-DNA position 298, G replaced by T.
Protein change: p.Ala100Ser; replaces alanine 100 with serine.
Molecular consequence: missense variant. On other transcripts: non-coding transcript variant (1).
Genome position (GRCh38, 1-based): chr22:36,566,491, C>A on the plus strand (G>T on the coding strand, the complement: CACNG2 is on the minus strand). VCF-style: chr22-36566491-C-A. GRCh37 (hg19) VCF-style: chr22-36962538-C-A.
Other names: c.229G>T, p.Ala77Ser (NM_001379051.1); short protein forms A100S, A77S.
Identifiers: ClinVar variation 931257 (VCV000931257.6), dbSNP rs1935129350, ClinGen allele CA411380407.
Genomic context (GRCh38, chr22:36,566,491, plus strand): 5'-GGCCACCCATGAAAAGCAGAATCACACTCAGGATTGGGAAAATGCTGGAGGCCCTCACGG[C>A]CCCTGTGGAACACAGAGGGTCAGGGAGAAAGAGAACGGCATGGCTGTGAGACTGAGGCAC-3'
Protein context (NP_006069.1, residues 90-110): EADTAEYFLR[Ala100Ser]VRASSIFPIL